The following is an entry in ClinVar:

NM_000748.3(CHRNB2):c.824C>T (p.Ala275Val)

Gene: CHRNB2 (cholinergic receptor nicotinic beta 2 subunit; plus strand). Cytogenetic location: 1q21.3.
Variant type: single nucleotide variant.
Coding change: c.824C>T on transcript NM_000748.3 (MANE Select); coding-DNA position 824, C replaced by T.
Protein change: p.Ala275Val; replaces alanine 275 with valine.
Molecular consequence: missense variant.
Genome position (GRCh38, 1-based): chr1:154,571,647, C>T. VCF-style: chr1-154571647-C-T. GRCh37 (hg19) VCF-style: chr1-154544123-C-T.
Other names: short protein forms A275V.
Identifiers: ClinVar variation 1500788 (VCV001500788.7), dbSNP rs201393088, ClinGen allele CA1130786.

ClinVar aggregate classification (germline): Uncertain significance. Review status: criteria provided, single submitter (1 of 4 stars). 2 submissions from 2 submitters: Uncertain significance (1). 1 of the submissions does not count toward it. Last evaluated 2025-09-02.

Conditions:
Familial sleep-related hypermotor epilepsy. Also called: Autosomal Dominant Sleep-Related Hypermotor (Hyperkinetic) Epilepsy. Identifiers: Orphanet 98784, MedGen C3696898, MONDO:0000030.

gnomAD v4.1: 10 of 1,614,208 alleles (0.00062%); highest among the groups gnomAD compares: South Asian, 0.0011%; no homozygotes.

Submissions (2):

Labcorp Genetics (formerly Invitae), Labcorp
Classification: Uncertain significance. Last evaluated: 2025-09-02. Review status: criteria provided, single submitter. Criteria: Invitae Variant Classification Sherloc (09022015). Collection method: clinical testing. Allele origin: germline.
Comment: This sequence change replaces alanine, which is neutral and non-polar, with valine, which is neutral and non-polar, at codon 275 of the CHRNB2 protein (p.Ala275Val). This variant is present in population databases (rs201393088, gnomAD 0.003%). This variant has not been reported in the literature in individuals affected with CHRNB2-related conditions. ClinVar contains an entry for this variant (Variation ID: 1500788). Invitae Evidence Modeling of protein sequence and biophysical properties (such as structural, functional, and spatial information, amino acid conservation, physicochemical variation, residue mobility, and thermodynamic stability) indicates that this missense variant is expected to disrupt CHRNB2 protein function with a positive predictive value of 80%. In summary, the available evidence is currently insufficient to determine the role of this variant in disease. Therefore, it has been classified as a Variant of Uncertain Significance.

Genetics and Genomic Medicine Centre, NeuroGen Healthcare, NeuroGen Healthcare
Classification: Uncertain significance. Last evaluated: 2021-12-12. Review status: no assertion criteria provided. Collection method: clinical testing. Allele origin: unknown. Affected: yes. Not counted in ClinVar's aggregate classification.